The following is an entry in ClinVar:

ClinVar aggregate classification (germline): Uncertain significance (1 of 4 stars; one submission).

Allele frequency attached by ClinVar (database versions not stated): TOPMed below 0.00001; ExAC 0.00001; gnomAD exomes 0.00002.
gnomAD v4.1: 15 of 1,614,138 alleles (0.00093%); highest among the groups gnomAD compares: East Asian, 0.016%; no homozygotes.

Submission:

Labcorp Genetics (formerly Invitae), Labcorp
Classification: Uncertain significance. Last evaluated: 2022-03-09. Review status: criteria provided, single submitter. Criteria: Invitae Variant Classification Sherloc (09022015). Collection method: clinical testing. Allele origin: germline.
Comment: In summary, the available evidence is currently insufficient to determine the role of this variant in disease. Therefore, it has been classified as a Variant of Uncertain Significance. Algorithms developed to predict the effect of missense changes on protein structure and function are either unavailable or do not agree on the potential impact of this missense change (SIFT: "Not Available"; PolyPhen-2: "Probably Damaging"; Align-GVGD: "Not Available"). ClinVar contains an entry for this variant (Variation ID: 1047823). This variant has not been reported in the literature in individuals affected with ADAMTS18-related conditions. This variant is present in population databases (rs760101011, gnomAD 0.02%). This sequence change replaces asparagine, which is neutral and polar, with serine, which is neutral and polar, at codon 423 of the ADAMTS18 protein (p.Asn423Ser).

NM_199355.4(ADAMTS18):c.1268A>G (p.Asn423Ser)

Gene: ADAMTS18 (ADAM metallopeptidase with thrombospondin type 1 motif 18; minus strand). Cytogenetic location: 16q23.1.
Variant type: single nucleotide variant.
Coding change: c.1268A>G on transcript NM_199355.4 (MANE Select); coding-DNA position 1268, A replaced by G.
Protein change: p.Asn423Ser; replaces asparagine 423 with serine.
Molecular consequence: missense variant.
Genome position (GRCh38, 1-based): chr16:77,359,372, T>C on the plus strand (A>G on the coding strand, the complement: ADAMTS18 is on the minus strand). VCF-style: chr16-77359372-T-C. GRCh37 (hg19) VCF-style: chr16-77393269-T-C.
Other names: c.752A>G, p.Asn251Ser (NM_001326358.2); short protein forms N251S, N423S.
Identifiers: ClinVar variation 1047823 (VCV001047823.7), dbSNP rs760101011, ClinGen allele CA8181374.